The following is an entry in ClinVar:

ClinVar aggregate classification (germline): Benign/Likely benign. Review status: criteria provided, multiple submitters, no conflicts (2 of 4 stars). 5 submissions from 5 submitters: Benign (1); Likely benign (4). Last evaluated 2026-01-25.

Conditions:
Cardiovascular phenotype. Identifiers: MedGen CN230736.
Naxos disease (NXD). Also called: PALMOPLANTAR KERATODERMA WITH ARRHYTHMOGENIC RIGHT VENTRICULAR CARDIOMYOPATHY AND WOOLLY HAIR; WOOLLY HAIR, PALMOPLANTAR KERATODERMA, AND CARDIAC ABNORMALITIES; KERATOSIS PALMOPLANTARIS WITH ARRHYTHMOGENIC CARDIOMYOPATHY; MAL DE NAXOS; CARDIOMYOPATHY, ARRHYTHMOGENIC RIGHT VENTRICULAR, WITH SKIN, HAIR, AND NAIL ABNORMALITIES. Identifiers: Orphanet 34217, MedGen C1832600, MONDO:0011017, OMIM 601214.
Arrhythmogenic right ventricular dysplasia 12. Also called: ARRHYTHMOGENIC RIGHT VENTRICULAR DYSPLASIA, FAMILIAL, 12. Identifiers: MedGen C1969081, MONDO:0012684, OMIM 611528.

Allele frequency attached by ClinVar (database versions not stated): gnomAD 0.00001; TOPMed 0.00001; ExAC 0.00002; gnomAD exomes 0.00002.
gnomAD v4.1: 24 of 1,614,014 alleles (0.0015%); highest among the groups gnomAD compares: East Asian, 0.02%; no homozygotes.

Submissions (5):

Labcorp Genetics (formerly Invitae), Labcorp
Classification: Likely benign for Arrhythmogenic right ventricular dysplasia 12; Naxos disease. Last evaluated: 2026-01-25. Review status: criteria provided, single submitter. Criteria: Invitae Variant Classification Sherloc (09022015). Collection method: clinical testing. Allele origin: germline.

Mayo Clinic Laboratories, Mayo Clinic
Classification: Likely benign. Last evaluated: 2025-06-05. Review status: criteria provided, single submitter. Criteria: ACMG Guidelines, 2015. Collection method: clinical testing. Allele origin: germline. Observed: 1 variant allele.
Comment: BP4, BP7

Molecular Diagnostic Laboratory for Inherited Cardiovascular Disease, Montreal Heart Institute
Classification: Likely benign. Last evaluated: 2025-04-09. Review status: criteria provided, single submitter. Criteria: ACMG Guidelines, 2015. Collection method: clinical testing. Allele origin: germline. Affected: no.

Blueprint Genetics
Classification: Likely benign. Last evaluated: 2023-08-03. Review status: criteria provided, single submitter. Criteria: ACMG Guidelines, 2015. Collection method: clinical testing. Allele origin: germline.

Ambry Genetics
Classification: Benign for Cardiovascular phenotype. Last evaluated: 2021-12-01. Review status: criteria provided, single submitter. Criteria: Ambry Variant Classification Scheme 2023. Collection method: clinical testing. Allele origin: germline.

NM_002230.4(JUP):c.108C>T (p.Ser36=)

Gene: JUP (junction plakoglobin; minus strand). Cytogenetic location: 17q21.2.
Variant type: single nucleotide variant.
Coding change: c.108C>T on transcript NM_002230.4 (MANE Select); coding-DNA position 108, C replaced by T.
Protein change: p.Ser36=; no amino-acid change (serine 36 retained).
Molecular consequence: synonymous variant.
Genome position (GRCh38, 1-based): chr17:41,771,747, G>A on the plus strand (C>T on the coding strand, the complement: JUP is on the minus strand). VCF-style: chr17-41771747-G-A. GRCh37 (hg19) VCF-style: chr17-39927999-G-A.
Other names: p.Ser36=; c.108C>T, p.Ser36= (NM_001352773.2, NM_001352774.2, NM_001352775.2 and 3 more transcripts); c.108C>T (NM_002230.3).
Identifiers: ClinVar variation 770071 (VCV000770071.15), dbSNP rs371142035, ClinGen allele CA8565583.